The following is an entry in ClinVar:

ClinVar aggregate classification (germline): Uncertain significance (1 of 4 stars; one submission).

Allele frequency attached by ClinVar (database versions not stated): gnomAD exomes below 0.00001.
gnomAD v4.1: 1 of 1,611,960 alleles (0.000062%); highest among the groups gnomAD compares: East Asian, 0.0022%; no homozygotes.

Submission:

Labcorp Genetics (formerly Invitae), Labcorp
Classification: Uncertain significance. Last evaluated: 2022-07-22. Review status: criteria provided, single submitter. Criteria: Invitae Variant Classification Sherloc (09022015). Collection method: clinical testing. Allele origin: germline.
Comment: In summary, the available evidence is currently insufficient to determine the role of this variant in disease. Therefore, it has been classified as a Variant of Uncertain Significance. Variants that disrupt the consensus splice site are a relatively common cause of aberrant splicing (PMID: 17576681, 9536098). Algorithms developed to predict the effect of sequence changes on RNA splicing suggest that this variant is not likely to affect RNA splicing. This variant has not been reported in the literature in individuals affected with RPL35-related conditions. This variant is not present in population databases (gnomAD no frequency). This sequence change falls in intron 3 of the RPL35 gene. It does not directly change the encoded amino acid sequence of the RPL35 protein. It affects a nucleotide within the consensus splice site.

Literature cited by the submitters: PubMed 17576681; PubMed 9536098.

NM_007209.4(RPL35):c.223-3C>T

Gene: RPL35 (ribosomal protein L35; minus strand). Cytogenetic location: 9q33.3.
Variant type: single nucleotide variant.
Coding change: c.223-3C>T on transcript NM_007209.4 (MANE Select); 3 bases into the intron before coding-DNA position 223, C replaced by T.
Molecular consequence: intron variant.
Genome position (GRCh38, 1-based): chr9:124,858,070, G>A on the plus strand (C>T on the coding strand, the complement: RPL35 is on the minus strand). VCF-style: chr9-124858070-G-A. GRCh37 (hg19) VCF-style: chr9-127620349-G-A.
Identifiers: ClinVar variation 2114475 (VCV002114475.4), dbSNP rs879107081, ClinGen allele CA2579450089.